The following is an entry in ClinVar:

NM_201631.4(TGM5):c.258C>G (p.Ser86Arg)

Gene: TGM5 (transglutaminase 5; minus strand). Cytogenetic location: 15q15.2.
Variant type: single nucleotide variant.
Coding change: c.258C>G on transcript NM_201631.4 (MANE Select); coding-DNA position 258, C replaced by G.
Protein change: p.Ser86Arg; replaces serine 86 with arginine.
Molecular consequence: missense variant. On other transcripts: intron variant (1).
Genome position (GRCh38, 1-based): chr15:43,260,230, G>C on the plus strand (C>G on the coding strand, the complement: TGM5 is on the minus strand). VCF-style: chr15-43260230-G-C. GRCh37 (hg19) VCF-style: chr15-43552428-G-C.
Other names: c.190+170C>G (NM_004245.4); short protein forms S86R.
Identifiers: ClinVar variation 884559 (VCV000884559.6), dbSNP rs138507857, ClinGen allele CA7521399.

ClinVar aggregate classification (germline): Uncertain significance. Review status: criteria provided, multiple submitters, no conflicts (2 of 4 stars). 3 submissions from 3 submitters: Uncertain significance (3). Last evaluated 2025-04-28.

Conditions:
TGM5-related disorder. Also called: TGM5-related condition.
Acral peeling skin syndrome. Also called: Peeling skin syndrome 2. Identifiers: Orphanet 263534, MedGen C1853354, MONDO:0012345, OMIM 609796.

Allele frequency attached by ClinVar (database versions not stated): ESP Exome Variant Server 0.00008; gnomAD 0.00014; 1000 Genomes Project 30x 0.00016; 1000 Genomes Project 0.00020; ExAC 0.00024; TOPMed 0.00024.
gnomAD v4.1: 274 of 1,613,970 alleles (0.017%); highest among the groups gnomAD compares: Middle Eastern, 0.21%; no homozygotes.

Submissions (3):

PreventionGenetics, part of Exact Sciences
Classification: Uncertain significance for TGM5-related condition. Last evaluated: 2025-04-28. Review status: criteria provided, single submitter. Criteria: ACMG Guidelines, 2015. Collection method: clinical testing. Allele origin: germline.
Comment: The TGM5 c.258C>G variant is predicted to result in the amino acid substitution p.Ser86Arg. To our knowledge, this variant has not been reported in the literature. This variant is reported in 0.13% of alleles in individuals of Ashkenazi Jewish descent in gnomAD, which is likely too common for an undocumented disease-causing variant. Although we suspect that this variant may be benign, at this time, the clinical significance of this variant is uncertain due to the absence of conclusive functional and genetic evidence.

Illumina Laboratory Services, Illumina
Classification: Uncertain significance for Acral peeling skin syndrome. Last evaluated: 2018-01-13. Review status: criteria provided, single submitter. Criteria: ICSL Variant Classification Criteria 13 December 2019. Collection method: clinical testing. Allele origin: germline.

Breakthrough Genomics
Classification: Uncertain significance. Review status: criteria provided, single submitter. Criteria: ACMG Guidelines, 2015. Collection method: not provided. Allele origin: germline. Inheritance: Autosomal recessive inheritance. Affected: yes.